The following is an entry in ClinVar:

NM_000283.4(PDE6B):c.1162A>G (p.Ile388Val)

Gene: PDE6B (phosphodiesterase 6B; plus strand). Cytogenetic location: 4p16.3.
Variant type: single nucleotide variant.
Coding change: c.1162A>G on transcript NM_000283.4 (MANE Select); coding-DNA position 1162, A replaced by G.
Protein change: p.Ile388Val; replaces isoleucine 388 with valine.
Molecular consequence: missense variant.
Genome position (GRCh38, 1-based): chr4:656,928, A>G. VCF-style: chr4-656928-A-G. GRCh37 (hg19) VCF-style: chr4-650717-A-G.
Other names: c.1162A>G, p.Ile388Val (NM_001145291.2); c.325A>G, p.Ile109Val (NM_001145292.2, NM_001350154.3, NM_001379246.1 and 1 more transcripts); c.7A>G, p.Ile3Val (NM_001350155.3); short protein forms I109V, I388V, I3V.
Identifiers: ClinVar variation 1415472 (VCV001415472.8), dbSNP rs765481943, ClinGen allele CA2794378.

ClinVar aggregate classification (germline): Uncertain significance (1 of 4 stars; one submission).

Allele frequency attached by ClinVar (database versions not stated): TOPMed below 0.00001; ExAC 0.00001; gnomAD exomes 0.00004.
gnomAD v4.1: 9 of 1,613,058 alleles (0.00056%); highest among the groups gnomAD compares: Admixed American, 0.015%; no homozygotes.

Submission:

Labcorp Genetics (formerly Invitae), Labcorp
Classification: Uncertain significance. Last evaluated: 2025-07-22. Review status: criteria provided, single submitter. Criteria: Invitae Variant Classification Sherloc (09022015). Collection method: clinical testing. Allele origin: germline.
Comment: This sequence change replaces isoleucine, which is neutral and non-polar, with valine, which is neutral and non-polar, at codon 388 of the PDE6B protein (p.Ile388Val). This variant is present in population databases (rs765481943, gnomAD 0.02%). This variant has not been reported in the literature in individuals affected with PDE6B-related conditions. ClinVar contains an entry for this variant (Variation ID: 1415472). Invitae Evidence Modeling of protein sequence and biophysical properties (such as structural, functional, and spatial information, amino acid conservation, physicochemical variation, residue mobility, and thermodynamic stability) indicates that this missense variant is not expected to disrupt PDE6B protein function with a negative predictive value of 80%. In summary, the available evidence is currently insufficient to determine the role of this variant in disease. Therefore, it has been classified as a Variant of Uncertain Significance.